The following is an entry in ClinVar:

NM_000180.4(GUCY2D):c.2600C>T (p.Thr867Met)

Gene: GUCY2D (guanylate cyclase 2D, retinal; plus strand). Cytogenetic location: 17p13.1.
Variant type: single nucleotide variant.
Coding change: c.2600C>T on transcript NM_000180.4 (MANE Select); coding-DNA position 2600, C replaced by T.
Protein change: p.Thr867Met; replaces threonine 867 with methionine.
Molecular consequence: missense variant.
Genome position (GRCh38, 1-based): chr17:8,014,882, C>T. VCF-style: chr17-8014882-C-T. GRCh37 (hg19) VCF-style: chr17-7918200-C-T.
Other names: short protein forms T867M.
Identifiers: ClinVar variation 1396857 (VCV001396857.4), dbSNP rs375727197, ClinGen allele CA8366176.

ClinVar aggregate classification (germline): Uncertain significance (1 of 4 stars; one submission).

Conditions:
Cone-rod dystrophy 6 (CORD6). Also called: RETINAL CONE DYSTROPHY 2; Cone dystrophy progressive. Identifiers: Orphanet 1872, MedGen C1866293, MONDO:0011143, OMIM 601777.
Leber congenital amaurosis 1 (LCA1). Also called: Congenital absence of the rods and cones; Leber's congenital tapetoretinal degeneration; Leber's congenital tapetoretinal dysplasia; AMAUROSIS CONGENITA OF LEBER I; RETINAL BLINDNESS, CONGENITAL. Identifiers: Orphanet 65, MedGen C2931258, MONDO:0008764, OMIM 204000.

Allele frequency attached by ClinVar (database versions not stated): ExAC 0.00002; gnomAD exomes 0.00002; ESP Exome Variant Server 0.00015.
gnomAD v4.1: 29 of 1,614,000 alleles (0.0018%); highest among the groups gnomAD compares: African/African-American, 0.021%; no homozygotes.

Submission:

Labcorp Genetics (formerly Invitae), Labcorp
Classification: Uncertain significance for Leber congenital amaurosis 1; Cone-rod dystrophy 6. Last evaluated: 2025-08-04. Review status: criteria provided, single submitter. Criteria: Invitae Variant Classification Sherloc (09022015). Collection method: clinical testing. Allele origin: germline.
Comment: This sequence change replaces threonine, which is neutral and polar, with methionine, which is neutral and non-polar, at codon 867 of the GUCY2D protein (p.Thr867Met). This variant is present in population databases (rs375727197, gnomAD 0.03%). This variant has not been reported in the literature in individuals affected with GUCY2D-related conditions. ClinVar contains an entry for this variant (Variation ID: 1396857). Invitae Evidence Modeling of protein sequence and biophysical properties (such as structural, functional, and spatial information, amino acid conservation, physicochemical variation, residue mobility, and thermodynamic stability) indicates that this missense variant is not expected to disrupt GUCY2D protein function with a negative predictive value of 80%. In summary, the available evidence is currently insufficient to determine the role of this variant in disease. Therefore, it has been classified as a Variant of Uncertain Significance.